The following is an entry in ClinVar:

NM_001170700.3(DTHD1):c.1643+4A>G

Gene: DTHD1 (death domain containing 1; plus strand). Cytogenetic location: 4p14.
Variant type: single nucleotide variant.
Coding change: c.1643+4A>G on transcript NM_001170700.3 (MANE Select); 4 bases into the intron after coding-DNA position 1643, A replaced by G.
Molecular consequence: intron variant.
Genome position (GRCh38, 1-based): chr4:36,295,043, A>G. VCF-style: chr4-36295043-A-G. GRCh37 (hg19) VCF-style: chr4-36296665-A-G.
Other names: c.773+4A>G (NM_001136536.5); c.710+4A>G (NM_001378435.1).
Identifiers: ClinVar variation 1025829 (VCV001025829.6), dbSNP rs1283683822, ClinGen allele CA1450744689.

ClinVar aggregate classification (germline): Uncertain significance (1 of 4 stars; one submission).

gnomAD v4.1: 2 of 1,526,658 alleles (0.00013%); highest among the groups gnomAD compares: Admixed American, 0.002%; no homozygotes.

Submission:

Labcorp Genetics (formerly Invitae), Labcorp
Classification: Uncertain significance. Last evaluated: 2020-08-29. Review status: criteria provided, single submitter. Criteria: Invitae Variant Classification Sherloc (09022015). Collection method: clinical testing. Allele origin: germline.
Comment: In summary, the available evidence is currently insufficient to determine the role of this variant in disease. Therefore, it has been classified as a Variant of Uncertain Significance. Nucleotide substitutions within the consensus splice site are a relatively common cause of aberrant splicing (PMID: 17576681, 9536098). Algorithms developed to predict the effect of sequence changes on RNA splicing suggest that this variant may disrupt the consensus splice site, but this prediction has not been confirmed by published transcriptional studies. This variant has not been reported in the literature in individuals with DTHD1-related conditions. This variant is not present in population databases (ExAC no frequency). This sequence change falls in intron 4 of the DTHD1 gene. It does not directly change the encoded amino acid sequence of the DTHD1 protein, but it affects a nucleotide within the consensus splice site of the intron.

Literature cited by the submitters: PubMed 17576681; PubMed 9536098.